The following is an entry in ClinVar:

NM_020877.5(DNAH2):c.13070T>A (p.Val4357Asp)

Gene: DNAH2 (dynein axonemal heavy chain 2; plus strand). Cytogenetic location: 17p13.1.
Variant type: single nucleotide variant.
Coding change: c.13070T>A on transcript NM_020877.5 (MANE Select); coding-DNA position 13070, T replaced by A.
Protein change: p.Val4357Asp; replaces valine 4357 with aspartic acid.
Molecular consequence: missense variant.
Genome position (GRCh38, 1-based): chr17:7,833,162, T>A. VCF-style: chr17-7833162-T-A. GRCh37 (hg19) VCF-style: chr17-7736480-T-A.
Other names: short protein forms V4357D.
Identifiers: ClinVar variation 3059076 (VCV003059076.2), dbSNP rs78354379, ClinGen allele CA8359937.

ClinVar aggregate classification (germline): Benign (0 of 4 stars; one submission).

Conditions:
DNAH2-related disorder. Also called: DNAH2-related condition.

Allele frequency attached by ClinVar (database versions not stated): ESP Exome Variant Server 0.00807; gnomAD exomes 0.01612; gnomAD 0.01722; TOPMed 0.02079; ExAC 0.02819; 1000 Genomes Project 30x 0.04419; 1000 Genomes Project 0.04673.
gnomAD v4.1: 26,461 of 1,610,344 alleles (1.6%); highest among the groups gnomAD compares: East Asian, 21%; 1,200 homozygotes.

Submission:

PreventionGenetics, part of Exact Sciences
Classification: Benign for DNAH2-related condition. Last evaluated: 2019-10-18. Review status: no assertion criteria provided. Collection method: clinical testing. Allele origin: germline.
Comment: This variant is classified as benign based on ACMG/AMP sequence variant interpretation guidelines (Richards et al. 2015 PMID: 25741868, with internal and published modifications).